The following is an entry in ClinVar:

NM_006005.3(WFS1):c.2396C>T (p.Thr799Ile)

Gene: WFS1 (wolframin ER transmembrane glycoprotein; plus strand). Cytogenetic location: 4p16.1.
Variant type: single nucleotide variant.
Coding change: c.2396C>T on transcript NM_006005.3 (MANE Select); coding-DNA position 2396, C replaced by T.
Protein change: p.Thr799Ile; replaces threonine 799 with isoleucine.
Molecular consequence: missense variant.
Genome position (GRCh38, 1-based): chr4:6,302,191, C>T. VCF-style: chr4-6302191-C-T. GRCh37 (hg19) VCF-style: chr4-6303918-C-T.
Other names: c.2396C>T, p.Thr799Ile (NM_001145853.1); short protein forms T799I.
Identifiers: ClinVar variation 3903360 (VCV003903360.1).

ClinVar aggregate classification (germline): Uncertain significance (1 of 4 stars; one submission).

Submission:

GeneDx
Classification: Uncertain significance. Last evaluated: 2024-12-10. Review status: criteria provided, single submitter. Criteria: GeneDx Variant Classification Process June 2021. Collection method: clinical testing. Allele origin: germline. Affected: yes.
Comment: Not observed at significant frequency in large population cohorts (gnomAD); In silico analysis supports that this missense variant has a deleterious effect on protein structure/function; Has not been previously published as pathogenic or benign to our knowledge